The following is an entry in ClinVar:

NM_014014.5(SNRNP200):c.723G>A (p.Ser241=)

Gene: SNRNP200 (small nuclear ribonucleoprotein U5 subunit 200; minus strand). Cytogenetic location: 2q11.2.
Variant type: single nucleotide variant.
Coding change: c.723G>A on transcript NM_014014.5 (MANE Select); coding-DNA position 723, G replaced by A.
Protein change: p.Ser241=; no amino-acid change (serine 241 retained).
Molecular consequence: synonymous variant.
Genome position (GRCh38, 1-based): chr2:96,299,335, C>T on the plus strand (G>A on the coding strand, the complement: SNRNP200 is on the minus strand). VCF-style: chr2-96299335-C-T. GRCh37 (hg19) VCF-style: chr2-96965073-C-T.
Identifiers: ClinVar variation 337562 (VCV000337562.24), dbSNP rs2276647, ClinGen allele CA1779110.

ClinVar aggregate classification (germline): Benign. Review status: criteria provided, multiple submitters, no conflicts (2 of 4 stars). 4 submissions from 4 submitters: Benign (4). Last evaluated 2026-01-08.

Conditions:
Retinitis pigmentosa 33 (RP33). Identifiers: Orphanet 791, MedGen C1835895, MONDO:0012477, OMIM 610359.
Retinal dystrophy. Also called: Inherited retinal dystrophy. Identifiers: Orphanet 71862, MedGen C0854723, MeSH D058499, MONDO:0019118, HP:0000556.
Retinitis pigmentosa (RP). Identifiers: Orphanet 791, MedGen C0035334, MeSH D012174, MONDO:0019200, OMIM 268000. Inheritance: Autosomal dominant, autosomal recessive and X linked inheritance.

Allele frequency attached by ClinVar (database versions not stated): TOPMed 0.00228; ExAC 0.00286; 1000 Genomes Project 30x 0.00874; 1000 Genomes Project 0.00938.
gnomAD v4.1: 1,632 of 1,613,886 alleles (0.1%); highest among the groups gnomAD compares: East Asian, 3.2%; 33 homozygotes.

Submissions (4):

Labcorp Genetics (formerly Invitae), Labcorp
Classification: Benign. Last evaluated: 2026-01-08. Review status: criteria provided, single submitter. Criteria: Invitae Variant Classification Sherloc (09022015). Collection method: clinical testing. Allele origin: germline.

Dept Of Ophthalmology, Nagoya University
Classification: Benign for Retinal dystrophy. Last evaluated: 2023-10-01. Review status: criteria provided, single submitter. Criteria: Submitter's publication. Collection method: research. Allele origin: germline. Affected: yes.

ARUP Laboratories, Molecular Genetics and Genomics, ARUP Laboratories
Classification: Benign for Retinitis pigmentosa 33. Last evaluated: 2021-09-03. Review status: criteria provided, single submitter. Criteria: ARUP Molecular Germline Variant Investigation Process 2021. Collection method: clinical testing. Allele origin: germline.

Illumina Laboratory Services, Illumina
Classification: Benign for Retinitis pigmentosa. Last evaluated: 2018-01-13. Review status: criteria provided, single submitter. Criteria: ICSL Variant Classification Criteria 13 December 2019. Collection method: clinical testing. Allele origin: germline.
Comment: This variant was observed in the ICSL laboratory as part of a predisposition screen in an ostensibly healthy population. It had not been previously curated by ICSL or reported in the Human Gene Mutation Database (HGMD: prior to June 1st, 2018), and was therefore a candidate for classification through an automated scoring system. Utilizing variant allele frequency, disease prevalence and penetrance estimates, and inheritance mode, an automated score was calculated to assess if this variant is too frequent to cause the disease. Based on the score and internal cut-off values, a variant classified as benign is not then subjected to further curation. The score for this variant resulted in a classification of benign for this disease.